The following is an entry in ClinVar:

ClinVar aggregate classification (germline): Uncertain significance (1 of 4 stars; one submission).

Allele frequency attached by ClinVar (database versions not stated): gnomAD exomes below 0.00001.

Submission:

Labcorp Genetics (formerly Invitae), Labcorp
Classification: Uncertain significance. Last evaluated: 2025-04-10. Review status: criteria provided, single submitter. Criteria: Invitae Variant Classification Sherloc (09022015). Collection method: clinical testing. Allele origin: germline.
Comment: This variant, c.5741_5743dup, results in the insertion of 1 amino acid(s) of the PCDH15 protein (p.Glu1914_Leu1915insGln), but otherwise preserves the integrity of the reading frame. This variant is not present in population databases (gnomAD no frequency). This variant has not been reported in the literature in individuals affected with PCDH15-related conditions. ClinVar contains an entry for this variant (Variation ID: 2182977). Experimental studies and prediction algorithms are not available or were not evaluated, and the functional significance of this variant is currently unknown. In summary, the available evidence is currently insufficient to determine the role of this variant in disease. Therefore, it has been classified as a Variant of Uncertain Significance.

NM_033056.4(PCDH15):c.5741_5743dup (p.Glu1914_Leu1915insGln)

Gene: PCDH15 (protocadherin related 15; minus strand). Cytogenetic location: 10q21.1.
Variant type: Duplication.
Coding change: c.5741_5743dup on transcript NM_033056.4 (MANE Plus Clinical); coding-DNA positions 5741 to 5743, 3 bases duplicated (AAC; older notation c.5741_5743dupAAC).
Protein change: p.Glu1914_Leu1915insGln.
Molecular consequence: inframe insertion. On other transcripts: intron variant (8).
Genome position (GRCh38, 1-based): chr10:53,821,983-53,821,985, GTT duplicated on the plus strand (AAC on the coding strand, the reverse complement: PCDH15 is on the minus strand). VCF-style (leftmost placement, unchanged base first): chr10-53821982-A-AGTT. GRCh37 (hg19) VCF-style: chr10-55581742-A-AGTT.
Other names: c.5762_5764dup, p.Glu1921_Leu1922insGln (NM_001142763.2); c.5747_5749dup, p.Glu1916_Leu1917insGln (NM_001142764.2); c.5534_5536dup, p.Glu1845_Leu1846insGln (NM_001142765.2); c.5732_5734dup, p.Glu1911_Leu1912insGln (NM_001142766.2); c.5621_5623dup, p.Glu1874_Leu1875insGln (NM_001142767.2); c.5681_5683dup, p.Glu1894_Leu1895insGln (NM_001142768.2); c.5672_5674dup, p.Glu1891_Leu1892insGln (NM_001142773.2); c.5675_5677dup, p.Glu1892_Leu1893insGln (NM_001354404.2); and 7 more.
Identifiers: ClinVar variation 2182977 (VCV002182977.4), dbSNP rs2492339523, ClinGen allele CA2574454505.
Genomic context (GRCh38, chr10:53,821,982, plus strand): 5'-CCCTTGTTTTGTTCAGATGTGATTTCCATATTTGTTACTTCTGAAGGGCACATAGTTTGA[A>AGTT]GTTCTGAAACATTTGTGCGTAGATAGTTTTTTTCTATTTGACTGTACATGTTAGCTACTG-3'